The following is an entry in ClinVar:

ClinVar aggregate classification (germline): Uncertain significance (1 of 4 stars; one submission).

Conditions:
Candidiasis, familial, 9 (CANDF9). Identifiers: Orphanet 1334, MedGen C4225324, MONDO:0014642, OMIM 616445.

Allele frequency attached by ClinVar (database versions not stated): gnomAD exomes below 0.00001; gnomAD 0.00001.

Submission:

Labcorp Genetics (formerly Invitae), Labcorp
Classification: Uncertain significance for Candidiasis, familial, 9. Last evaluated: 2022-10-07. Review status: criteria provided, single submitter. Criteria: Invitae Variant Classification Sherloc (09022015). Collection method: clinical testing. Allele origin: germline.
Comment: This sequence change replaces asparagine, which is neutral and polar, with aspartic acid, which is acidic and polar, at codon 272 of the IL17RC protein (p.Asn272Asp). This variant is present in population databases (no rsID available, gnomAD 0.0009%). This variant has not been reported in the literature in individuals affected with IL17RC-related conditions. Algorithms developed to predict the effect of missense changes on protein structure and function output the following: SIFT: "Tolerated"; PolyPhen-2: "Benign"; Align-GVGD: "Class C0". The aspartic acid amino acid residue is found in multiple mammalian species, which suggests that this missense change does not adversely affect protein function. In summary, the available evidence is currently insufficient to determine the role of this variant in disease. Therefore, it has been classified as a Variant of Uncertain Significance.

NM_153460.4(IL17RC):c.601A>G (p.Asn201Asp)

Gene: IL17RC (interleukin 17 receptor C; plus strand). Cytogenetic location: 3p25.3.
Variant type: single nucleotide variant.
Coding change: c.601A>G on transcript NM_153460.4 (MANE Select); coding-DNA position 601, A replaced by G.
Protein change: p.Asn201Asp; replaces asparagine 201 with aspartic acid.
Molecular consequence: missense variant. On other transcripts: intron variant (4).
Genome position (GRCh38, 1-based): chr3:9,920,948, A>G. VCF-style: chr3-9920948-A-G. GRCh37 (hg19) VCF-style: chr3-9962632-A-G.
Other names: c.601A>G, p.Asn201Asp (NM_001203263.2, NM_001203264.2, NM_001367278.1); c.814A>G, p.Asn272Asp (NM_153461.4); c.577+346A>G (NM_032732.6, NM_001367280.1, NM_001203265.2); c.502+346A>G (NM_001367279.1); short protein forms N201D, N272D.
Identifiers: ClinVar variation 1903380 (VCV001903380.5), dbSNP rs1361297008, ClinGen allele CA351758308.